The following is an entry in ClinVar:

ClinVar aggregate classification (germline): Likely benign. Review status: criteria provided, multiple submitters, no conflicts (2 of 4 stars). 3 submissions from 3 submitters: Likely benign (3). Last evaluated 2025-03-13.

Conditions:
TTC21B-related disorder. Also called: TTC21B-related condition; TTC21B-related disorders.
Jeune thoracic dystrophy. Also called: Jeune syndrome; Infantile thoracic dystrophy; Thoracic pelvic phalangeal dystrophy; Jeune's syndrome; Chondroectodermal dysplasia-like syndrome; Short-rib thoracic dysplasia. Identifiers: Orphanet 474, MedGen C0265275, MONDO:0018770.
Nephronophthisis. Also called: Juvenile Nephronophthisis. Identifiers: Orphanet 655, MedGen C0687120, MONDO:0019005, HP:0000090.
Asphyxiating thoracic dystrophy 4 (SRTD4). Also called: SHORT-RIB THORACIC DYSPLASIA 4 WITH OR WITHOUT POLYDACTYLY; SHORT-RIB THORACIC DYSPLASIA 4. Identifiers: Orphanet 474, MedGen C3151185, MONDO:0013441, OMIM 613819.
Nephronophthisis 12 (NPHP12). Identifiers: Orphanet 655, MedGen C3151186, MONDO:0013442, OMIM 613820.

Allele frequency attached by ClinVar (database versions not stated): gnomAD exomes 0.00001; gnomAD 0.00002; TOPMed 0.00002.

Submissions (3):

PreventionGenetics, part of Exact Sciences
Classification: Likely benign for TTC21B-related condition. Last evaluated: 2025-03-13. Review status: criteria provided, single submitter. Criteria: ACMG Guidelines, 2015. Collection method: clinical testing. Allele origin: germline.
Comment: This variant is classified as likely benign based on ACMG/AMP sequence variant interpretation guidelines (Richards et al. 2015 PMID: 25741868, with internal and published modifications).

Fulgent Genetics
Classification: Likely benign for Asphyxiating thoracic dystrophy 4; Nephronophthisis 12. Last evaluated: 2022-03-23. Review status: criteria provided, single submitter. Criteria: ACMG Guidelines, 2015. Collection method: clinical testing. Allele origin: unknown.

Labcorp Genetics (formerly Invitae), Labcorp
Classification: Likely benign for Jeune thoracic dystrophy; Nephronophthisis. Last evaluated: 2021-09-09. Review status: criteria provided, single submitter. Criteria: Invitae Variant Classification Sherloc (09022015). Collection method: clinical testing. Allele origin: germline.

NM_024753.5(TTC21B):c.2868+9A>G

Gene: TTC21B (tetratricopeptide repeat domain 21B; minus strand). Cytogenetic location: 2q24.3.
Variant type: single nucleotide variant.
Coding change: c.2868+9A>G on transcript NM_024753.5 (MANE Select); 9 bases into the intron after coding-DNA position 2868, A replaced by G.
Molecular consequence: intron variant.
Genome position (GRCh38, 1-based): chr2:165,899,761, T>C on the plus strand (A>G on the coding strand, the complement: TTC21B is on the minus strand). VCF-style: chr2-165899761-T-C. GRCh37 (hg19) VCF-style: chr2-166756271-T-C.
Other names: c.2868+9A>G (NM_024753.4).
Identifiers: ClinVar variation 1537195 (VCV001537195.10), dbSNP rs1465172057, ClinGen allele CA537132808.